The following is an entry in ClinVar:

ClinVar aggregate classification (germline): Conflicting classifications of pathogenicity. Review status: criteria provided, conflicting classifications (1 of 4 stars). 3 submissions from 3 submitters: Uncertain significance (1); Likely benign (2). Last evaluated 2025-07-05.

Conditions:
Inborn genetic diseases. Identifiers: MedGen C0950123, MeSH D030342.

Allele frequency attached by ClinVar (database versions not stated): TOPMed 0.00002; gnomAD 0.00003; ExAC 0.00004; ESP Exome Variant Server 0.00008.
gnomAD v4.1: 45 of 1,088,442 alleles (0.0041%); highest among the groups gnomAD compares: Middle Eastern, 0.18%; no homozygotes.

Submissions (3):

Labcorp Genetics (formerly Invitae), Labcorp
Classification: Likely benign. Last evaluated: 2025-07-05. Review status: criteria provided, single submitter. Criteria: Invitae Variant Classification Sherloc (09022015). Collection method: clinical testing. Allele origin: germline.

Ambry Genetics
Classification: Uncertain significance for Inborn genetic diseases. Last evaluated: 2025-04-25. Review status: criteria provided, single submitter. Criteria: Ambry Variant Classification Scheme 2023. Collection method: clinical testing. Allele origin: germline.

CeGaT Center for Human Genetics Tuebingen
Classification: Likely benign. Last evaluated: 2024-08-01. Review status: criteria provided, single submitter. Criteria: CeGaT Center For Human Genetics Tuebingen Variant Classification Criteria Version 2. Collection method: clinical testing. Allele origin: germline. Affected: yes. Observed: 3 variant alleles.
Comment: PHIP: BS2

NM_017934.7(PHIP):c.3811C>G (p.Leu1271Val)

Genes: IRAK1BP1 (interleukin 1 receptor associated kinase 1 binding protein 1; plus strand), PHIP (PHIP subunit of CUL4-Ring ligase complex; minus strand). Cytogenetic location: 6q14.1.
Variant type: single nucleotide variant.
Coding change: c.3811C>G on transcript NM_017934.7 (MANE Select); coding-DNA position 3811, C replaced by G.
Protein change: p.Leu1271Val; replaces leucine 1271 with valine.
Molecular consequence: missense variant.
Genome position (GRCh38, 1-based): chr6:78,955,654, G>C on the plus strand (C>G on the coding strand, the complement: PHIP is on the minus strand). VCF-style: chr6-78955654-G-C. GRCh37 (hg19) VCF-style: chr6-79665371-G-C.
Other names: c.3811C>G (NM_017934.5); short protein forms L1271V.
Identifiers: ClinVar variation 2656715 (VCV002656715.27), dbSNP rs373292877, ClinGen allele CA3899602.